The following is an entry in ClinVar:

NM_003803.4(MYOM1):c.3206C>T (p.Pro1069Leu)

Gene: MYOM1 (myomesin 1; minus strand). Cytogenetic location: 18p11.31.
Variant type: single nucleotide variant.
Coding change: c.3206C>T on transcript NM_003803.4 (MANE Select); coding-DNA position 3206, C replaced by T.
Protein change: p.Pro1069Leu; replaces proline 1069 with leucine.
Molecular consequence: missense variant.
Genome position (GRCh38, 1-based): chr18:3,116,428, G>A on the plus strand (C>T on the coding strand, the complement: MYOM1 is on the minus strand). VCF-style: chr18-3116428-G-A. GRCh37 (hg19) VCF-style: chr18-3116426-G-A.
Other names: c.2918C>T, p.Pro973Leu (NM_019856.2); c.3206C>T (NM_003803.3); short protein forms P1069L, P973L.
Identifiers: ClinVar variation 1046630 (VCV001046630.10), dbSNP rs761782867, ClinGen allele CA8874381.

ClinVar aggregate classification (germline): Uncertain significance. Review status: criteria provided, multiple submitters, no conflicts (2 of 4 stars). 2 submissions from 2 submitters: Uncertain significance (2). Last evaluated 2025-12-13.

Conditions:
Hypertrophic cardiomyopathy. Also called: HYPERTROPHIC MYOCARDIOPATHY. Identifiers: Orphanet 217569, MedGen C0007194, MeSH D002312, MONDO:0005045, HP:0001639.

Allele frequency attached by ClinVar (database versions not stated): gnomAD exomes 0.00003; TOPMed 0.00002; gnomAD 0.00001 and 0.00002; ExAC 0.00003.
gnomAD v4.1: 49 of 1,613,740 alleles (0.003%); highest among the groups gnomAD compares: Non-Finnish European, 0.0038%; no homozygotes.

Submissions (2):

Labcorp Genetics (formerly Invitae), Labcorp
Classification: Uncertain significance for Hypertrophic cardiomyopathy. Last evaluated: 2025-12-13. Review status: criteria provided, single submitter. Criteria: Invitae Variant Classification Sherloc (09022015). Collection method: clinical testing. Allele origin: germline.
Comment: This sequence change replaces proline, which is neutral and non-polar, with leucine, which is neutral and non-polar, at codon 1069 of the MYOM1 protein (p.Pro1069Leu). This variant is present in population databases (rs761782867, gnomAD 0.006%). This variant has not been reported in the literature in individuals affected with MYOM1-related conditions. ClinVar contains an entry for this variant (Variation ID: 1046630). Invitae Evidence Modeling of protein sequence and biophysical properties (such as structural, functional, and spatial information, amino acid conservation, physicochemical variation, residue mobility, and thermodynamic stability) indicates that this missense variant is not expected to disrupt MYOM1 protein function with a negative predictive value of 80%. In summary, the available evidence is currently insufficient to determine the role of this variant in disease. Therefore, it has been classified as a Variant of Uncertain Significance.

Ambry Genetics
Classification: Uncertain significance. Last evaluated: 2025-06-03. Review status: criteria provided, single submitter. Criteria: Ambry Variant Classification Scheme 2023. Collection method: clinical testing. Allele origin: germline.